The following is an entry in ClinVar:

NM_006180.6(NTRK2):c.288-4A>G

Gene: NTRK2 (neurotrophic receptor tyrosine kinase 2; plus strand). Cytogenetic location: 9q21.33.
Variant type: single nucleotide variant.
Coding change: c.288-4A>G on transcript NM_006180.6 (MANE Select); 4 bases into the intron before coding-DNA position 288, A replaced by G.
Molecular consequence: intron variant.
Genome position (GRCh38, 1-based): chr9:84,702,344, A>G. VCF-style: chr9-84702344-A-G. GRCh37 (hg19) VCF-style: chr9-87317259-A-G.
Other names: c.288-4A>G (NM_001369532.1, NM_001369533.1, NM_001018066.3 and 18 more transcripts); c.-181-4A>G (NM_001369536.1, NM_001369535.1, NM_001369550.1 and 1 more transcripts).
Identifiers: ClinVar variation 3357363 (VCV003357363.1).

ClinVar aggregate classification (germline): Likely benign (0 of 4 stars; one submission).

Conditions:
NTRK2-related disorder. Also called: NTRK2-related condition.

gnomAD v4.1: 3 of 1,614,182 alleles (0.00019%); highest among the groups gnomAD compares: Admixed American, 0.0033%; no homozygotes.

Submission:

PreventionGenetics, part of Exact Sciences
Classification: Likely benign for NTRK2-related condition. Last evaluated: 2021-07-03. Review status: no assertion criteria provided. Collection method: clinical testing. Allele origin: germline.
Comment: This variant is classified as likely benign based on ACMG/AMP sequence variant interpretation guidelines (Richards et al. 2015 PMID: 25741868, with internal and published modifications).